The following is an entry in ClinVar:

ClinVar aggregate classification (germline): Conflicting classifications of pathogenicity. Review status: criteria provided, conflicting classifications (1 of 4 stars). 4 submissions from 4 submitters: Uncertain significance (3); Likely benign (1). Last evaluated 2026-01-05.

Conditions:
Cardiovascular phenotype. Identifiers: MedGen CN230736.
Dilated cardiomyopathy 1HH (CMD1HH). Identifiers: Orphanet 154, MedGen C3151293, MONDO:0013479, OMIM 613881.
Myofibrillar myopathy 6. Identifiers: Orphanet 199340, MedGen C2751831, MONDO:0013061, OMIM 612954.

Allele frequency attached by ClinVar (database versions not stated): gnomAD 0.00001; gnomAD exomes 0.00001 and 0.00003; ExAC 0.00002; TOPMed 0.00002.
gnomAD v4.1: 47 of 1,613,916 alleles (0.0029%); highest among the groups gnomAD compares: Non-Finnish European, 0.0039%; no homozygotes.

Submissions (4):

Labcorp Genetics (formerly Invitae), Labcorp
Classification: Uncertain significance for Dilated cardiomyopathy 1HH; Myofibrillar myopathy 6. Last evaluated: 2026-01-05. Review status: criteria provided, single submitter. Criteria: Invitae Variant Classification Sherloc (09022015). Collection method: clinical testing. Allele origin: germline.
Comment: This sequence change replaces proline, which is neutral and non-polar, with serine, which is neutral and polar, at codon 330 of the BAG3 protein (p.Pro330Ser). This variant is present in population databases (rs762376423, gnomAD 0.002%). This variant has not been reported in the literature in individuals affected with BAG3-related conditions. ClinVar contains an entry for this variant (Variation ID: 647437). Invitae Evidence Modeling of protein sequence and biophysical properties (such as structural, functional, and spatial information, amino acid conservation, physicochemical variation, residue mobility, and thermodynamic stability) indicates that this missense variant is not expected to disrupt BAG3 protein function with a negative predictive value of 80%. In summary, the available evidence is currently insufficient to determine the role of this variant in disease. Therefore, it has been classified as a Variant of Uncertain Significance.

Ambry Genetics
Classification: Likely benign for Cardiovascular phenotype. Last evaluated: 2025-06-16. Review status: criteria provided, single submitter. Criteria: Ambry Variant Classification Scheme 2023. Collection method: clinical testing. Allele origin: germline.

Fulgent Genetics
Classification: Uncertain significance for Myofibrillar myopathy 6; Dilated cardiomyopathy 1HH. Last evaluated: 2021-08-23. Review status: criteria provided, single submitter. Criteria: ACMG Guidelines, 2015. Collection method: clinical testing. Allele origin: unknown.

Revvity Omics, Revvity
Classification: Uncertain significance. Last evaluated: 2019-11-06. Review status: criteria provided, single submitter. Criteria: ACMG Guidelines, 2015. Collection method: clinical testing. Allele origin: germline.

NM_004281.4(BAG3):c.988C>T (p.Pro330Ser)

Gene: BAG3 (BAG cochaperone 3; plus strand). Cytogenetic location: 10q26.11.
Variant type: single nucleotide variant.
Coding change: c.988C>T on transcript NM_004281.4 (MANE Select); coding-DNA position 988, C replaced by T.
Protein change: p.Pro330Ser; replaces proline 330 with serine.
Molecular consequence: missense variant.
Genome position (GRCh38, 1-based): chr10:119,676,542, C>T. VCF-style: chr10-119676542-C-T. GRCh37 (hg19) VCF-style: chr10-121436054-C-T.
Other names: short protein forms P330S.
Identifiers: ClinVar variation 647437 (VCV000647437.16), dbSNP rs762376423, ClinGen allele CA5716460.